The following is an entry in ClinVar:

ClinVar aggregate classification (germline): Uncertain significance (1 of 4 stars; one submission).

gnomAD v4.1: 2 of 1,611,710 alleles (0.00012%); highest among the groups gnomAD compares: Non-Finnish European, 0.000085%; no homozygotes.

Submission:

Ambry Genetics
Classification: Uncertain significance. Last evaluated: 2025-01-06. Review status: criteria provided, single submitter. Criteria: Ambry Variant Classification Scheme 2023. Collection method: clinical testing. Allele origin: germline.
Comment: The p.D1268Y variant (also known as c.3802G>T), located in coding exon 16 of the WNK2 gene, results from a G to T substitution at nucleotide position 3802. The aspartic acid at codon 1268 is replaced by tyrosine, an amino acid with highly dissimilar properties. This amino acid position is conserved. In addition, this alteration is predicted to be tolerated by in silico analysis. Based on the available evidence, the clinical significance of this variant remains unclear.

NM_006648.4(WNK2):c.3802G>T (p.Asp1268Tyr)

Gene: WNK2 (WNK lysine deficient protein kinase 2; plus strand). Cytogenetic location: 9q22.31.
Variant type: single nucleotide variant.
Coding change: c.3802G>T on transcript NM_006648.4 (MANE Select); coding-DNA position 3802, G replaced by T.
Protein change: p.Asp1268Tyr; replaces aspartic acid 1268 with tyrosine.
Molecular consequence: missense variant.
Genome position (GRCh38, 1-based): chr9:93,267,851, G>T. VCF-style: chr9-93267851-G-T. GRCh37 (hg19) VCF-style: chr9-96030133-G-T.
Other names: c.3802G>T, p.Asp1268Tyr (NM_001282394.3); short protein forms D1268Y.
Identifiers: ClinVar variation 3816766 (VCV003816766.1).